The following is an entry in ClinVar:

NM_005159.5(ACTC1):c.809-58TG[11]

Genes: ACTC1 (actin alpha cardiac muscle 1; minus strand), GJD2-DT (GJD2 divergent transcript; plus strand). Cytogenetic location: 15q14.
Variant type: Microsatellite.
Coding change: c.809-58TG[11] on transcript NM_005159.5 (MANE Select); 11 copies in a row of the 2-base unit TG starting at c.809-58; the reference has 23 copies in a row; 12 copies, 24 bases deleted.
Molecular consequence: intron variant.
Genome position (GRCh38, 1-based): chr15:34,791,308-34,791,331, CACACACACACACACACACACACA deleted on the plus strand (TGTGTGTGTGTGTGTGTGTGTGTG on the coding strand, the reverse complement: ACTC1 is on the minus strand); deleting any 24 consecutive bases within chr15:34,791,308-34,791,353 gives the same sequence; the position shown is the placement nearest the transcript's 3' end. VCF-style (leftmost placement, unchanged base first): chr15-34791307-TCACACACACACACACACACACACA-T. GRCh37 (hg19) VCF-style: chr15-35083508-TCACACACACACACACACACACACA-T.
Other names: c.809-58TG[11] (NM_001406483.1, NM_001406482.1); c.368-58TG[11] (NM_001406485.1); c.674-58TG[11] (NM_001406484.1).
Identifiers: ClinVar variation 3749582 (VCV003749582.2).

ClinVar aggregate classification (germline): Uncertain significance (1 of 4 stars; one submission).

Conditions:
Hypertrophic cardiomyopathy 11. Also called: ACTC1-Related Familial Hypertrophic Cardiomyopathy. Identifiers: MedGen C2677506, MONDO:0012799, OMIM 612098.
Atrial septal defect 5 (ASD5). Identifiers: Orphanet 1478, MedGen C2748552, MONDO:0013011, OMIM 612794.
Dilated cardiomyopathy 1R (CMD1R). Identifiers: Orphanet 154, Orphanet 54260, MedGen C3150681, MONDO:0013261, OMIM 613424.

Submission:

Labcorp Genetics (formerly Invitae), Labcorp
Classification: Uncertain significance for Dilated cardiomyopathy 1R; Hypertrophic cardiomyopathy 11; Atrial septal defect 5. Last evaluated: 2025-12-29. Review status: criteria provided, single submitter. Criteria: Invitae Variant Classification Sherloc (09022015). Collection method: clinical testing. Allele origin: germline.
Comment: This sequence change falls in intron 5 of the ACTC1 gene. It does not directly change the encoded amino acid sequence of the ACTC1 protein. This variant is not present in population databases (gnomAD no frequency). This variant has not been reported in the literature in individuals affected with ACTC1-related conditions. Experimental studies and prediction algorithms are not available or were not evaluated, and the effect of this variant on mRNA splicing is currently unknown. In summary, the available evidence is currently insufficient to determine the role of this variant in disease. Therefore, it has been classified as a Variant of Uncertain Significance.